The following is an entry in ClinVar:

NM_001130438.3(SPTAN1):c.5200G>A (p.Ala1734Thr)

Gene: SPTAN1 (spectrin alpha, non-erythrocytic 1; plus strand). Cytogenetic location: 9q34.11.
Variant type: single nucleotide variant.
Coding change: c.5200G>A on transcript NM_001130438.3 (MANE Select); coding-DNA position 5200, G replaced by A.
Protein change: p.Ala1734Thr; replaces alanine 1734 with threonine.
Molecular consequence: missense variant.
Genome position (GRCh38, 1-based): chr9:128,615,683, G>A. VCF-style: chr9-128615683-G-A. GRCh37 (hg19) VCF-style: chr9-131377962-G-A.
Other names: c.5200G>A, p.Ala1734Thr (NM_001375311.2, NM_001375313.1, NM_001363759.2 and 1 more transcripts); c.5236G>A, p.Ala1746Thr (NM_001375312.2, NM_001375318.1, NM_001438440.1); c.5140G>A, p.Ala1714Thr (NM_001375314.2, NM_001438442.1, NM_001363765.2); c.5125G>A, p.Ala1709Thr (NM_001438441.1, NM_001195532.2, NM_001438444.1); c.5185G>A, p.Ala1729Thr (NM_001438443.1, NM_001438445.1, NM_003127.4); short protein forms A1709T, A1714T, A1729T, A1734T, A1746T.
Identifiers: ClinVar variation 4076211 (VCV004076211.1).

ClinVar aggregate classification (germline): Uncertain significance (1 of 4 stars; one submission).

Conditions:
Developmental and epileptic encephalopathy, 5 (DEE5). Identifiers: Orphanet 3451, MedGen C3150731, MONDO:0013277, OMIM 613477.

Submission:

Laboratorio de Genetica e Diagnostico Molecular, Hospital Israelita Albert Einstein
Classification: Uncertain significance for Developmental and epileptic encephalopathy, 5. Last evaluated: 2024-03-04. Review status: criteria provided, single submitter. Criteria: ACMG Guidelines, 2015. Collection method: clinical testing. Allele origin: germline. Affected: yes.
Comment: ACMG classification criteria: PM2 supporting, PP2 supporting, BP4 supporting